The following is an entry in ClinVar:

NM_001042492.3(NF1):c.2985G>C (p.Leu995=)

Gene: NF1 (neurofibromin 1; plus strand). Cytogenetic location: 17q11.2.
Variant type: single nucleotide variant.
Coding change: c.2985G>C on transcript NM_001042492.3 (MANE Select); coding-DNA position 2985, G replaced by C.
Protein change: p.Leu995=; no amino-acid change (leucine 995 retained).
Molecular consequence: synonymous variant.
Genome position (GRCh38, 1-based): chr17:31,229,969, G>C. VCF-style: chr17-31229969-G-C. GRCh37 (hg19) VCF-style: chr17-29556987-G-C.
Other names: c.2985G>C, p.Leu995= (NM_000267.4).
Identifiers: ClinVar variation 184057 (VCV000184057.58), dbSNP rs17881467, ClinGen allele CA187651.
Genomic context (GRCh38, chr17:31,229,969, plus strand): 5'-TACTGAAGGCAGCTCTGAACATCTAGGGCAAGCTAGCATTGAAACAATGATGTTAAATCT[G>C]GTCAGGTAAGCATTCTACTGAAATGTAGCAGAAACATTTTAAGAGATAAGAAAAACCTCT-3'
Protein context (NP_001035957.1, residues 985-1005): QASIETMMLN[Leu995=]VRYVRVLGNM

ClinVar aggregate classification (germline): Benign/Likely benign. Review status: criteria provided, multiple submitters, no conflicts (2 of 4 stars). 18 submissions from 16 submitters: Benign (15); Likely benign (3). Last evaluated 2026-05-18.

Conditions:
Hereditary cancer-predisposing syndrome. Also called: Tumor predisposition; Neoplastic Syndromes, Hereditary; Hereditary Cancer Syndrome; Hereditary neoplastic syndrome. Identifiers: Orphanet 140162, MedGen C0027672, MeSH D009386, MONDO:0015356.
Cardiovascular phenotype. Identifiers: MedGen CN230736.
Neurofibromatosis, type 1 (NF1). Also called: Peripheral type neurofibromatosis; Neurofibromatosis, type I; NEUROFIBROMATOSIS, TYPE I, SOMATIC; VON RECKLINGHAUSEN DISEASE. Identifiers: Orphanet 636, MedGen C0027831, MONDO:0018975, OMIM 162200. Disease mechanism: loss of function.
Café-au-lait macules with pulmonary stenosis (WTSN). Also called: PULMONIC STENOSIS WITH CAFE-AU-LAIT SPOTS. Identifiers: MedGen C0553586, MONDO:0008672, OMIM 193520.
Neurofibromatosis-Noonan syndrome (NFNS). Also called: NEUROFIBROMATOSIS WITH NOONAN PHENOTYPE. Identifiers: Orphanet 638, MedGen C2931482, MONDO:0011035, OMIM 601321. Disease mechanism: loss of function.
Neurofibromatosis, familial spinal (FSNF). Identifiers: Orphanet 636, MedGen C1834235, MONDO:0008078, OMIM 162210. Disease mechanism: loss of function.
Juvenile myelomonocytic leukemia (JMML). Also called: LEUKEMIA, JUVENILE MYELOMONOCYTIC, SOMATIC. Identifiers: Orphanet 86834, MedGen C0349639, MONDO:0011908, OMIM 607785, HP:0012209.

Allele frequency attached by ClinVar (database versions not stated): gnomAD exomes 0.00094; ExAC 0.00119; 1000 Genomes Project 0.00260; 1000 Genomes Project 30x 0.00281; gnomAD 0.00396 and 0.00426; ESP Exome Variant Server 0.00400; TOPMed 0.00416.
gnomAD v4.1: 1,088 of 1,611,672 alleles (0.068%); highest among the groups gnomAD compares: African/African-American, 1.3%; 3 homozygotes.

Submissions (18):

Myriad Genetics, Inc.
Classification: Benign for Neurofibromatosis, type 1. Last evaluated: 2026-05-18. Review status: criteria provided, single submitter. Criteria: Myriad Autosomal Dominant, Autosomal Recessive and X-Linked Classification Criteria (2023). Collection method: clinical testing. Allele origin: unknown.
Comment: This variant is considered benign. This variant is a silent/synonymous amino acid change and it is not expected to impact splicing.

CeGaT Center for Human Genetics Tuebingen
Classification: Likely benign. Last evaluated: 2026-03-01. Review status: criteria provided, single submitter. Criteria: CeGaT Center For Human Genetics Tuebingen Variant Classification Criteria Version 2. Collection method: clinical testing. Allele origin: germline. Affected: yes. Observed: 4 variant alleles.
Comment: NF1: BP4, BP7, BS1

Labcorp Genetics (formerly Invitae), Labcorp
Classification: Benign for Neurofibromatosis, type 1. Last evaluated: 2026-02-03. Review status: criteria provided, single submitter. Criteria: Invitae Variant Classification Sherloc (09022015). Collection method: clinical testing. Allele origin: germline.

Quest Diagnostics Nichols Institute San Juan Capistrano
Classification: Benign. Last evaluated: 2025-05-29. Review status: criteria provided, single submitter. Criteria: Quest Diagnostics criteria. Collection method: clinical testing. Allele origin: unknown.

ARUP Laboratories, Molecular Genetics and Genomics, ARUP Laboratories
Classification: Benign. Last evaluated: 2025-04-21. Review status: criteria provided, single submitter. Criteria: ARUP Molecular Germline Variant Investigation Process 2024. Collection method: clinical testing. Allele origin: germline.

KCCC/NGS Laboratory, Kuwait Cancer Control Center
Classification: Benign for Neurofibromatosis, type 1. Last evaluated: 2025-02-01. Review status: criteria provided, single submitter. Criteria: ACMG Guidelines, 2015. Collection method: clinical testing. Allele origin: germline. Affected: no.

Blueprint Genetics
Classification: Likely benign. Last evaluated: 2024-10-18. Review status: criteria provided, single submitter. Criteria: ACMG Guidelines, 2015. Collection method: clinical testing. Allele origin: germline.

KCCC/NGS Laboratory, Kuwait Cancer Control Center
Classification: Benign for Neurofibromatosis, familial spinal. Last evaluated: 2023-07-07. Review status: criteria provided, single submitter. Criteria: ACMG Guidelines, 2015. Collection method: clinical testing. Allele origin: germline. Affected: yes.

Genome-Nilou Lab
Classification: Benign for Neurofibromatosis, type 1. Last evaluated: 2022-03-15. Review status: criteria provided, single submitter. Criteria: ACMG Guidelines, 2015. Collection method: clinical testing. Allele origin: germline. Affected: no.

Fulgent Genetics
Classification: Likely benign for Neurofibromatosis, type 1; Neurofibromatosis, familial spinal; Café-au-lait macules with pulmonary stenosis; Neurofibromatosis-Noonan syndrome; Juvenile myelomonocytic leukemia. Last evaluated: 2021-11-29. Review status: criteria provided, single submitter. Criteria: ACMG Guidelines, 2015. Collection method: clinical testing. Allele origin: unknown.

GeneDx
Classification: Benign. Last evaluated: 2021-05-03. Review status: criteria provided, single submitter. Criteria: GeneDx Variant Classification Process June 2021. Collection method: clinical testing. Allele origin: germline. Affected: yes.
Comment: This variant is associated with the following publications: (PMID: 27534895)

Genome Diagnostics Laboratory, The Hospital for Sick Children
Classification: Benign for Neurofibromatosis, type 1. Last evaluated: 2020-10-26. Review status: criteria provided, single submitter. Criteria: ACMG Guidelines, 2015. Collection method: clinical testing. Allele origin: germline. Affected: yes.

Women's Health and Genetics/Laboratory Corporation of America, LabCorp
Classification: Benign. Last evaluated: 2018-09-07. Review status: criteria provided, single submitter. Criteria: LabCorp Variant Classification Summary - May 2015. Collection method: clinical testing. Allele origin: germline.
Comment: Variant summary: NF1 c.2985G>C alters a conserved nucleotide resulting in a synonymous change. Several computational tools predict a significant impact on normal splicing: Two predict the variant no significant impact on splicing. Two predict the variant abolishes a cryptic 5 donor site. One predict the variant weakens a 5' donor site. However, these predictions have yet to be confirmed by functional studies. The variant allele was found at a frequency of 0.0012 in 276472 control chromosomes, predominantly within the African subpopulation at a frequency of 0.013 in the gnomAD database, including 1 homozygote. This frequency within African control individuals is approximately 62-fold above the estimated maximal expected allele frequency for a pathogenic variant in NF1 causing Neurofibromatosis Type 1 phenotype (0.00021), strongly suggesting that the variant is a benign polymorphism found primarily in populations of African origin. To our knowledge, no occurrence of c.2985G>C in individuals affected with Neurofibromatosis Type 1 and no experimental evidence demonstrating its impact on protein function have been reported. Co-occurrence with another likely pathogenic variant has been identified by our laboratory (BRIP1 c.1474-1G>A), providing supporting evidence for a benign role. Three ClinVar submissions from other clinical diagnostic laboratories (evaluation after 2014) cites the variant as likely benign/benign. Based on the evidence outlined above, the variant was classified as benign.

Genetic Services Laboratory, University of Chicago
Classification: Benign. Last evaluated: 2017-11-08. Review status: criteria provided, single submitter. Criteria: ACMG Guidelines, 2015. Collection method: clinical testing. Allele origin: germline. Affected: no.

Ambry Genetics
Classification: Benign for Cardiovascular phenotype; Hereditary cancer-predisposing syndrome. Last evaluated: 2015-01-06. Review status: criteria provided, single submitter. Criteria: Ambry Variant Classification Scheme 2023. Collection method: clinical testing. Allele origin: germline.

Ambry Genetics
Classification: Benign for Hereditary cancer-predisposing syndrome. Last evaluated: 2014-11-30. Review status: criteria provided, single submitter. Criteria: Ambry Autosomal Dominant and X-Linked criteria (10/2015). Collection method: clinical testing. Allele origin: germline. Observed: 1 variant allele.
Comment: General population or subpopulation frequency is too high to be a pathogenic mutation based on disease/syndrome prevalence and penetrance

Laboratory for Molecular Medicine, Mass General Brigham Personalized Medicine
Classification: Benign. Last evaluated: 2014-11-24. Review status: criteria provided, single submitter. Criteria: LMM Criteria. Collection method: clinical testing. Allele origin: germline. Observed: 1 variant allele.
Comment: Leu995Leu in exon 22 of NF1: This variant is not expected to have clinical signi ficance because it does not alter an amino acid residue and is not located withi n the splice consensus sequence. It has been identified in 1.2% (52/4404) of Afr ican American chromosomes from a broad population by the NHLBI Exome Sequencing Project (dbSNP rs17881467).

PreventionGenetics, part of Exact Sciences
Classification: Benign. Review status: criteria provided, single submitter. Criteria: ACMG Guidelines, 2015. Collection method: clinical testing. Allele origin: germline.